The following is an entry in ClinVar:

ClinVar aggregate classification (germline): Uncertain significance (1 of 4 stars; one submission).

Conditions:
Cardiovascular phenotype. Identifiers: MedGen CN230736.

Submission:

Ambry Genetics
Classification: Uncertain significance for Cardiovascular phenotype. Last evaluated: 2022-09-28. Review status: criteria provided, single submitter. Criteria: Ambry Variant Classification Scheme 2023. Collection method: clinical testing. Allele origin: germline.
Comment: The p.T1019I variant (also known as c.3056C>T), located in coding exon 20 of the APOB gene, results from a C to T substitution at nucleotide position 3056. The threonine at codon 1019 is replaced by isoleucine, an amino acid with similar properties. This amino acid position is conserved. In addition, this alteration is predicted to be tolerated by in silico analysis. Since supporting evidence is limited at this time, the clinical significance of this alteration remains unclear.

NM_000384.3(APOB):c.3056C>T (p.Thr1019Ile)

Gene: APOB (apolipoprotein B; minus strand). Cytogenetic location: 2p24.1.
Variant type: single nucleotide variant.
Coding change: c.3056C>T on transcript NM_000384.3 (MANE Select); coding-DNA position 3056, C replaced by T.
Protein change: p.Thr1019Ile; replaces threonine 1019 with isoleucine.
Molecular consequence: missense variant.
Genome position (GRCh38, 1-based): chr2:21,019,057, G>A on the plus strand (C>T on the coding strand, the complement: APOB is on the minus strand). VCF-style: chr2-21019057-G-A. GRCh37 (hg19) VCF-style: chr2-21241929-G-A.
Other names: short protein forms T1019I.
Identifiers: ClinVar variation 1799303 (VCV001799303.2), dbSNP rs2465397074, ClinGen allele CA346009934.